The following is an entry in ClinVar:

NM_000090.4(COL3A1):c.2483G>A (p.Gly828Glu)

Gene: COL3A1 (collagen type III alpha 1 chain; plus strand). Cytogenetic location: 2q32.2.
Variant type: single nucleotide variant.
Coding change: c.2483G>A on transcript NM_000090.4 (MANE Select); coding-DNA position 2483, G replaced by A.
Protein change: p.Gly828Glu; replaces glycine 828 with glutamic acid.
Molecular consequence: missense variant.
Genome position (GRCh38, 1-based): chr2:189,002,992, G>A. VCF-style: chr2-189002992-G-A. GRCh37 (hg19) VCF-style: chr2-189867718-G-A.
Other names: short protein forms G828E.
Identifiers: ClinVar variation 2883995 (VCV002883995.3), dbSNP rs2469150656, ClinGen allele CA349842776.

ClinVar aggregate classification (germline): Likely pathogenic (1 of 4 stars; one submission).

Conditions:
Ehlers-Danlos syndrome, type 4 (EDSVASC). Also called: Ehlers-Danlos syndrome vascular type; Ehlers Danlos syndrome, ecchymotic type; Ehlers Danlos syndrome, arterial type; Ehlers Danlos syndrome, Sack-Barabas type; Ehlers-Danlos Syndrome Type IV. Identifiers: Orphanet 286, MedGen C0268338, MONDO:0017314, OMIM 130050.

Submission:

Labcorp Genetics (formerly Invitae), Labcorp
Classification: Likely pathogenic for Ehlers-Danlos syndrome, type 4. Last evaluated: 2024-01-24. Review status: criteria provided, single submitter. Criteria: Invitae Variant Classification Sherloc (09022015). Collection method: clinical testing. Allele origin: germline.
Comment: This sequence change replaces glycine, which is neutral and non-polar, with glutamic acid, which is acidic and polar, at codon 828 of the COL3A1 protein (p.Gly828Glu). This variant is not present in population databases (gnomAD no frequency). This missense change has been observed in individual(s) with vascular Ehlers-Danlos syndrome (PMID: 30474650). Advanced modeling of protein sequence and biophysical properties (such as structural, functional, and spatial information, amino acid conservation, physicochemical variation, residue mobility, and thermodynamic stability) performed at Invitae indicates that this missense variant is expected to disrupt COL3A1 protein function with a positive predictive value of 95%. This variant disrupts the triple helix domain of COL3A1. Glycine residues within the Gly-Xaa-Yaa repeats of the triple helix domain are required for the structure and stability of fibrillar collagens (PMID: 7695699, 8218237, 19344236). In COL3A1, variants that affect these glycine residues are significantly enriched in individuals with disease (PMID: 24922459, 25758994) compared to the general population (ExAC). This variant disrupts the p.Gly828Arg amino acid residue in COL3A1. Other variant(s) that disrupt this residue have been observed in individuals with COL3A1-related conditions (PMID: 1772601), which suggests that this may be a clinically significant amino acid residue. In summary, the currently available evidence indicates that the variant is pathogenic, but additional data are needed to prove that conclusively. Therefore, this variant has been classified as Likely Pathogenic.

Literature cited by the submitters: PubMed 30474650; PubMed 7695699; PubMed 8218237; PubMed 19344236; PubMed 24922459; PubMed 25758994; PubMed 1772601.